The following is an entry in ClinVar:

ClinVar aggregate classification (germline): Likely benign (1 of 4 stars; one submission).

Allele frequency attached by ClinVar (database versions not stated): ESP Exome Variant Server 0.00008; gnomAD exomes 0.00059; 1000 Genomes Project 0.00080; gnomAD 0.00090; 1000 Genomes Project 30x 0.00094; ExAC 0.00128; TOPMed 0.00149.
gnomAD v4.1: 719 of 1,159,828 alleles (0.062%); highest among the groups gnomAD compares: Admixed American, 1.2%; 6 homozygotes.

Submission:

GeneDx
Classification: Likely benign. Last evaluated: 2019-08-18. Review status: criteria provided, single submitter. Criteria: GeneDx Variant Classification Process June 2021. Collection method: clinical testing. Allele origin: germline. Affected: yes.
Comment: See Variant Classification Assertion Criteria.

NM_001378964.1(CDON):c.76+43T>C

Gene: CDON (cell adhesion associated, oncogene regulated; minus strand). Cytogenetic location: 11q24.2.
Variant type: single nucleotide variant.
Coding change: c.76+43T>C on transcript NM_001378964.1 (MANE Select); 43 bases into the intron after coding-DNA position 76, T replaced by C.
Molecular consequence: intron variant.
Genome position (GRCh38, 1-based): chr11:126,023,358, A>G on the plus strand (T>C on the coding strand, the complement: CDON is on the minus strand). VCF-style: chr11-126023358-A-G. GRCh37 (hg19) VCF-style: chr11-125893253-A-G.
Other names: c.76+43T>C (NM_001441166.1, NM_016952.6, NM_001243597.3 and 5 more transcripts).
Identifiers: ClinVar variation 1706829 (VCV001706829.2), dbSNP rs181273195, ClinGen allele CA6352428.
Genomic context (GRCh38, chr11:126,023,358, plus strand): 5'-TTTAGATAGCACCATTATCACAAAGCATTGAAGTACAAATTTATGTTTTATAGGATTAAG[A>G]TGAGTAAAGGCCAAACCACCCCCTCCCCAATTCTACTCTTACCTGAACTCACAGAAGAGC-3'